The following is an entry in ClinVar:

NM_004415.4(DSP):c.8275C>T (p.Arg2759Cys)

Gene: DSP (desmoplakin; plus strand). Cytogenetic location: 6p24.3.
Variant type: single nucleotide variant.
Coding change: c.8275C>T on transcript NM_004415.4 (MANE Select); coding-DNA position 8275, C replaced by T.
Protein change: p.Arg2759Cys; replaces arginine 2759 with cysteine.
Molecular consequence: missense variant.
Genome position (GRCh38, 1-based): chr6:7,585,537, C>T. VCF-style: chr6-7585537-C-T. GRCh37 (hg19) VCF-style: chr6-7585770-C-T.
Other names: c.8275C>T (LRG_423t1, NM_004415.3); c.6478C>T, p.Arg2160Cys (NM_001008844.3); c.6946C>T, p.Arg2316Cys (NM_001319034.2); short protein forms R2759C, R2160C, R2316C.
Identifiers: ClinVar variation 465916 (VCV000465916.14), dbSNP rs148254632, ClinGen allele CA051954.

ClinVar aggregate classification (germline): Uncertain significance. Review status: criteria provided, multiple submitters, no conflicts (2 of 4 stars). 5 submissions from 5 submitters: Uncertain significance (5). Last evaluated 2026-07-29.

Conditions:
Arrhythmogenic right ventricular dysplasia 8 (ARVD8). Also called: Arrhythmogenic Right Ventricular Dysplasia/Cardiomyopathy 8; ARRHYTHMOGENIC RIGHT VENTRICULAR DYSPLASIA, FAMILIAL, 8; ARRHYTHMOGENIC RIGHT VENTRICULAR CARDIOMYOPATHY 8. Identifiers: MedGen C1843896, MONDO:0011831, OMIM 607450.
Arrhythmogenic cardiomyopathy with wooly hair and keratoderma. Also called: Arrhythmogenic cardiomyopathy with woolly hair and keratoderma; PALMOPLANTAR KERATODERMA WITH LEFT VENTRICULAR CARDIOMYOPATHY AND WOOLLY HAIR; Dilated cardiomyopathy with woolly hair and keratoderma; Carvajal syndrome. Identifiers: Orphanet 65282, MedGen C1854063, MONDO:0011581, OMIM 605676.
Cardiovascular phenotype. Identifiers: MedGen CN230736.
Cardiomyopathy (CMYO). Also called: Cardiomyopathies. Identifiers: Orphanet 167848, MedGen C0878544, MONDO:0004994, HP:0001638. Inheritance: Various modes of inheritance.

Allele frequency attached by ClinVar (database versions not stated): TOPMed below 0.00001; ExAC 0.00001; gnomAD 0.00001; ESP Exome Variant Server 0.00008.
gnomAD v4.1: 10 of 1,613,992 alleles (0.00062%); highest among the groups gnomAD compares: South Asian, 0.0011%; no homozygotes.

Submissions (5):

Ambry Genetics
Classification: Uncertain significance for Cardiovascular phenotype. Last evaluated: 2026-07-29. Review status: criteria provided, single submitter. Criteria: Ambry Variant Classification Scheme 2023. Collection method: clinical testing. Allele origin: germline.
Comment: The p.R2759C variant (also known as c.8275C>T), located in coding exon 24 of the DSP gene, results from a C to T substitution at nucleotide position 8275. The arginine at codon 2759 is replaced by cysteine, an amino acid with highly dissimilar properties. This amino acid position is well conserved in available vertebrate species. In addition, the in silico prediction for this alteration is inconclusive. Based on the available evidence, the clinical significance of this variant remains unclear.

Molecular Diagnostic Laboratory for Inherited Cardiovascular Disease, Montreal Heart Institute
Classification: Uncertain significance for Cardiovascular phenotype. Last evaluated: 2025-02-17. Review status: criteria provided, single submitter. Criteria: ACMG Guidelines, 2015. Collection method: clinical testing. Allele origin: germline. Affected: yes.

Labcorp Genetics (formerly Invitae), Labcorp
Classification: Uncertain significance for Arrhythmogenic cardiomyopathy with wooly hair and keratoderma; Arrhythmogenic right ventricular dysplasia 8. Last evaluated: 2024-10-27. Review status: criteria provided, single submitter. Criteria: Invitae Variant Classification Sherloc (09022015). Collection method: clinical testing. Allele origin: germline.
Comment: This sequence change replaces arginine, which is basic and polar, with cysteine, which is neutral and slightly polar, at codon 2759 of the DSP protein (p.Arg2759Cys). This variant is not present in population databases (gnomAD no frequency). This variant has not been reported in the literature in individuals affected with DSP-related conditions. ClinVar contains an entry for this variant (Variation ID: 465916). An algorithm developed to predict the effect of missense changes on protein structure and function (PolyPhen-2) suggests that this variant is likely to be disruptive. In summary, the available evidence is currently insufficient to determine the role of this variant in disease. Therefore, it has been classified as a Variant of Uncertain Significance.

Color Diagnostics, LLC DBA Color Health
Classification: Uncertain significance for Cardiomyopathy. Last evaluated: 2023-09-28. Review status: criteria provided, single submitter. Criteria: ACMG Guidelines, 2015. Collection method: clinical testing. Allele origin: germline.
Comment: This variant replaces arginine with cysteine at codon 2759 in the DSP protein. Computational prediction is inconclusive regarding the impact of this variant on protein structure and function (internally defined REVEL score threshold 0.5 < inconclusive < 0.7, PMID: 27666373). To our knowledge, functional studies have not been reported for this variant. This variant has not been reported in individuals affected with DSP-related disorders in the literature. This variant has been identified in 1/251336 chromosomes in the general population by the Genome Aggregation Database (gnomAD). The available evidence is insufficient to determine the role of this variant in disease conclusively. Therefore, this variant is classified as a Variant of Uncertain Significance.

CHEO Genetics Diagnostic Laboratory, Children's Hospital of Eastern Ontario
Classification: Uncertain significance for Cardiomyopathy. Last evaluated: 2020-02-13. Review status: criteria provided, single submitter. Criteria: ACMG Guidelines, 2015. Collection method: clinical testing. Allele origin: germline.